The following is an entry in ClinVar:

NM_001267550.2(TTN):c.107224-2A>G

Genes: TTN (titin; minus strand), TTN-AS1 (TTN antisense RNA 1; plus strand). Cytogenetic location: 2q31.2.
Variant type: single nucleotide variant.
Coding change: c.107224-2A>G on transcript NM_001267550.2 (MANE Select); the canonical splice acceptor site of the intron before coding-DNA position 107224, A replaced by G.
Molecular consequence: splice acceptor variant.
Genome position (GRCh38, 1-based): chr2:178,528,429, T>C on the plus strand (A>G on the coding strand, the complement: TTN is on the minus strand). VCF-style: chr2-178528429-T-C. GRCh37 (hg19) VCF-style: chr2-179393156-T-C.
Other names: c.80029-2A>G (NM_003319.4); c.80605-2A>G (NM_133437.4); c.80404-2A>G (NM_133432.3); c.99520-2A>G (NM_133378.4); c.102301-2A>G (NM_001256850.1).
Identifiers: ClinVar variation 1520338 (VCV001520338.8), dbSNP rs111401822, ClinGen allele CA349401547.
Genomic context (GRCh38, chr2:178,528,429, plus strand): 5'-ATTTCAAGGGAGTATACATTTCTGGAGCGGCTTATGCTGACATTTGAAGAAATAGAAATC[T>C]AAGACAAAGGAAAAAGAAAAGAAATGTTGAAGTTCTTCAGATGTGGAAGACATGGTATTT-3'

ClinVar aggregate classification (germline): Likely pathogenic (1 of 4 stars; one submission).

Conditions:
Dilated cardiomyopathy 1G (CMD1G). Identifiers: Orphanet 154, MedGen C1858763, MONDO:0011400, OMIM 604145.
Autosomal recessive limb-girdle muscular dystrophy type 2J (LGMDR10). Also called: Limb-girdle muscular dystrophy, type 2J; MUSCULAR DYSTROPHY, LIMB-GIRDLE, AUTOSOMAL RECESSIVE 10. Identifiers: Orphanet 140922, MedGen C1837342, MONDO:0012127, OMIM 608807.

Submission:

Labcorp Genetics (formerly Invitae), Labcorp
Classification: Likely pathogenic for Dilated cardiomyopathy 1G; Autosomal recessive limb-girdle muscular dystrophy type 2J. Last evaluated: 2021-04-03. Review status: criteria provided, single submitter. Criteria: Invitae Variant Classification Sherloc (09022015). Collection method: clinical testing. Allele origin: germline.
Comment: This variant has not been reported in the literature in individuals with TTN-related conditions. This variant is not present in population databases (ExAC no frequency). This sequence change affects an acceptor splice site in intron 360 of the TTN gene. It is expected to disrupt RNA splicing and likely results in a truncated or disrupted TTN protein. Algorithms developed to predict the effect of sequence changes on RNA splicing suggest that this variant may disrupt the consensus splice site, but this prediction has not been confirmed by published transcriptional studies. This variant is located in the M band of TTN (PMID: 25589632). Truncating variants in this region have been previously reported in individuals affected with autosomal recessive myopathy and muscular dystrophy (PMID: 18948003, 23975875, 24395473), but have not been definitively shown to cause cardiomyopathy (PMID: 25589632). In summary, the currently available evidence indicates that the variant is pathogenic, but additional data are needed to prove that conclusively. Therefore, this variant has been classified as Likely Pathogenic.

Literature cited by the submitters: PubMed 25589632; PubMed 18948003; PubMed 23975875; PubMed 24395473.